The following is an entry in ClinVar:

NM_001382391.1(CSPP1):c.19G>T (p.Glu7Ter)

Gene: CSPP1 (centrosome and spindle pole associated protein 1; plus strand). Cytogenetic location: 8q13.1.
Variant type: single nucleotide variant.
Coding change: c.19G>T on transcript NM_001382391.1 (MANE Select); coding-DNA position 19, G replaced by T.
Protein change: p.Glu7Ter; replaces glutamic acid 7 with a stop codon.
Molecular consequence: nonsense.
Genome position (GRCh38, 1-based): chr8:67,074,271, G>T. VCF-style: chr8-67074271-G-T. GRCh37 (hg19) VCF-style: chr8-67986506-G-T.
Other names: c.19G>T, p.Glu7Ter (NM_001363131.2, NM_001363132.2, NM_001363133.2); c.127G>T, p.Glu43Ter (NM_001364869.1, NM_001364870.1, NM_024790.7); short protein forms E7*, E43*.
Identifiers: ClinVar variation 937081 (VCV000937081.9), dbSNP rs1201375699, ClinGen allele CA371211140.

ClinVar aggregate classification (germline): Pathogenic/Likely pathogenic. Review status: criteria provided, multiple submitters, no conflicts (2 of 4 stars). 2 submissions from 2 submitters: Pathogenic (1); Likely pathogenic (1). Last evaluated 2021-12-02.

Conditions:
Joubert syndrome 21 (JBTS21). Identifiers: MedGen C3810212, MONDO:0014288, OMIM 615636.

Allele frequency attached by ClinVar (database versions not stated): gnomAD exomes below 0.00001.
gnomAD v4.1: 2 of 1,609,440 alleles (0.00012%); highest among the groups gnomAD compares: East Asian, 0.0045%; no homozygotes.

Submissions (2):

Labcorp Genetics (formerly Invitae), Labcorp
Classification: Pathogenic for Joubert syndrome 21. Last evaluated: 2021-12-02. Review status: criteria provided, single submitter. Criteria: Invitae Variant Classification Sherloc (09022015). Collection method: clinical testing. Allele origin: germline.
Comment: This sequence change creates a premature translational stop signal (p.Glu43*) in the CSPP1 gene. It is expected to result in an absent or disrupted protein product. Loss-of-function variants in CSPP1 are known to be pathogenic (PMID: 24360807, 24360808). This variant is present in population databases (no rsID available, gnomAD 0.006%). This variant has not been reported in the literature in individuals affected with CSPP1-related conditions. ClinVar contains an entry for this variant (Variation ID: 937081). For these reasons, this variant has been classified as Pathogenic.

Juno Genomics, Hangzhou Juno Genomics, Inc
Classification: Likely pathogenic for Joubert syndrome 21. Review status: criteria provided, single submitter. Criteria: ACMG Guidelines, 2015. Collection method: clinical testing. Allele origin: germline.
Comment: Null variant in a gene where loss of function (LOF) is a known mechanism of disease.;Absent from controls (or at extremely low frequency if recessive) in Genome Aggregation Database.

Literature cited by the submitters: PubMed 24360807 (cited by Labcorp Genetics (formerly Invitae), Labcorp); PubMed 24360808 (cited by Labcorp Genetics (formerly Invitae), Labcorp).